The following is an entry in ClinVar:

ClinVar aggregate classification (germline): Likely benign. Review status: criteria provided, multiple submitters, no conflicts (2 of 4 stars). 5 submissions from 5 submitters: Likely benign (5). Last evaluated 2026-01-28.

Conditions:
NTRK1-related disorder. Also called: NTRK1-related condition.
Hereditary insensitivity to pain with anhidrosis (CIPA). Also called: INSENSITIVITY TO PAIN, CONGENITAL, WITH ANHIDROSIS; NTRK1 Congenital Insensitivity to Pain with Anhidrosis; NEUROPATHY, CONGENITAL SENSORY, WITH ANHIDROSIS; HSAN Type IV; FAMILIAL DYSAUTONOMIA, TYPE II; hereditary sensory and autonomic neuropathy type 4. Identifiers: Orphanet 642, MedGen C0020074, MONDO:0009746, OMIM 256800.

Allele frequency attached by ClinVar (database versions not stated): gnomAD 0.00024 and 0.00026; ExAC 0.00025; gnomAD exomes 0.00034; 1000 Genomes Project 0.00040; 1000 Genomes Project 30x 0.00047; TOPMed 0.00056.
gnomAD v4.1: 619 of 1,606,530 alleles (0.039%); highest among the groups gnomAD compares: Admixed American, 0.063%; 1 homozygote.

Submissions (5):

Labcorp Genetics (formerly Invitae), Labcorp
Classification: Likely benign for Hereditary insensitivity to pain with anhidrosis. Last evaluated: 2026-01-28. Review status: criteria provided, single submitter. Criteria: Invitae Variant Classification Sherloc (09022015). Collection method: clinical testing. Allele origin: germline.

Women's Health and Genetics/Laboratory Corporation of America, LabCorp
Classification: Likely benign. Last evaluated: 2025-04-14. Review status: criteria provided, single submitter. Criteria: LabCorp Variant Classification Summary - May 2015. Collection method: clinical testing. Allele origin: germline.

PreventionGenetics, part of Exact Sciences
Classification: Likely benign for NTRK1-related condition. Last evaluated: 2025-04-03. Review status: criteria provided, single submitter. Criteria: ACMG Guidelines, 2015. Collection method: clinical testing. Allele origin: germline.
Comment: This variant is classified as likely benign based on ACMG/AMP sequence variant interpretation guidelines (Richards et al. 2015 PMID: 25741868, with internal and published modifications).

Genome-Nilou Lab
Classification: Likely benign for Hereditary insensitivity to pain with anhidrosis. Last evaluated: 2023-04-11. Review status: criteria provided, single submitter. Criteria: ACMG Guidelines, 2015. Collection method: clinical testing. Allele origin: germline. Affected: no.

GeneDx
Classification: Likely benign. Last evaluated: 2015-09-28. Review status: criteria provided, single submitter. Criteria: GeneDx Variant Classification (06012015). Collection method: clinical testing. Allele origin: germline. Affected: yes.
Comment: This variant is considered likely benign or benign based on one or more of the following criteria: it is a conservative change, it occurs at a poorly conserved position in the protein, it is predicted to be benign by multiple in silico algorithms, and/or has population frequency not consistent with disease.

NM_002529.4(NTRK1):c.574+10G>A

Gene: NTRK1 (neurotrophic receptor tyrosine kinase 1; plus strand). Cytogenetic location: 1q23.1.
Variant type: single nucleotide variant.
Coding change: c.574+10G>A on transcript NM_002529.4 (MANE Select); 10 bases into the intron after coding-DNA position 574, G replaced by A.
Molecular consequence: intron variant.
Genome position (GRCh38, 1-based): chr1:156,868,259, G>A. VCF-style: chr1-156868259-G-A. GRCh37 (hg19) VCF-style: chr1-156838051-G-A.
Other names: c.484+10G>A (NM_001007792.1); c.574+10G>A (NM_001012331.2, NM_002529.3).
Identifiers: ClinVar variation 380669 (VCV000380669.15), dbSNP rs201336491, ClinGen allele CA1169021.